The following is an entry in ClinVar:

ClinVar aggregate classification (germline): Uncertain significance (1 of 4 stars; one submission).

Allele frequency attached by ClinVar (database versions not stated): gnomAD exomes 0.00001; TOPMed 0.00001; gnomAD 0.00002.
gnomAD v4.1: 12 of 1,612,950 alleles (0.00074%); highest among the groups gnomAD compares: South Asian, 0.0099%; no homozygotes.

Submission:

Labcorp Genetics (formerly Invitae), Labcorp
Classification: Uncertain significance. Last evaluated: 2025-09-15. Review status: criteria provided, single submitter. Criteria: Invitae Variant Classification Sherloc (09022015). Collection method: clinical testing. Allele origin: germline.
Comment: This sequence change replaces proline, which is neutral and non-polar, with leucine, which is neutral and non-polar, at codon 1732 of the TUBGCP6 protein (p.Pro1732Leu). This variant is present in population databases (no rsID available, gnomAD 0.01%). This variant has not been reported in the literature in individuals affected with TUBGCP6-related conditions. ClinVar contains an entry for this variant (Variation ID: 1927215). An algorithm developed to predict the effect of missense changes on protein structure and function (PolyPhen-2) suggests that this variant is likely to be disruptive. In summary, the available evidence is currently insufficient to determine the role of this variant in disease. Therefore, it has been classified as a Variant of Uncertain Significance.

NM_020461.4(TUBGCP6):c.5195C>T (p.Pro1732Leu)

Gene: TUBGCP6 (tubulin gamma complex component 6; minus strand). Cytogenetic location: 22q13.33.
Variant type: single nucleotide variant.
Coding change: c.5195C>T on transcript NM_020461.4 (MANE Select); coding-DNA position 5195, C replaced by T.
Protein change: p.Pro1732Leu; replaces proline 1732 with leucine.
Molecular consequence: missense variant.
Genome position (GRCh38, 1-based): chr22:50,218,091, G>A on the plus strand (C>T on the coding strand, the complement: TUBGCP6 is on the minus strand). VCF-style: chr22-50218091-G-A. GRCh37 (hg19) VCF-style: chr22-50656520-G-A.
Other names: short protein forms P1732L.
Identifiers: ClinVar variation 1927215 (VCV001927215.5), dbSNP rs1348466944, ClinGen allele CA412163475.
Genomic context (GRCh38, chr22:50,218,091, plus strand): 5'-ATGAGCTGGCTGCGGAACTTGAGCACGAGGCTGAAGATGCTGTGGATGACGTTCATGACG[G>A]GCGCCGCCTTCTCCGTGAGCAGGCCCCTGGGGGGAAGCAGTGCTGCTGGGTGGGCTGAGC-3'
Protein context (NP_065194.3, residues 1722-1742): FRGLLTEKAA[Pro1732Leu]VMNVIHSIFS